The following is an entry in ClinVar:

NM_005502.4(ABCA1):c.2725C>T (p.Arg909Ter)

Gene: ABCA1 (ATP binding cassette subfamily A member 1; minus strand). Cytogenetic location: 9q31.1.
Variant type: single nucleotide variant.
Coding change: c.2725C>T on transcript NM_005502.4 (MANE Select); coding-DNA position 2725, C replaced by T.
Protein change: p.Arg909Ter; replaces arginine 909 with a stop codon.
Molecular consequence: nonsense.
Genome position (GRCh38, 1-based): chr9:104,822,599, G>A on the plus strand (C>T on the coding strand, the complement: ABCA1 is on the minus strand). VCF-style: chr9-104822599-G-A. GRCh37 (hg19) VCF-style: chr9-107584880-G-A.
Other names: short protein forms R909*.
Identifiers: ClinVar variation 3720893 (VCV003720893.2).

ClinVar aggregate classification (germline): Pathogenic (1 of 4 stars; one submission).

gnomAD v4.1: 5 of 1,613,938 alleles (0.00031%); highest among the groups gnomAD compares: East Asian, 0.0045%; no homozygotes.

Submission:

Labcorp Genetics (formerly Invitae), Labcorp
Classification: Pathogenic. Last evaluated: 2025-01-07. Review status: criteria provided, single submitter. Criteria: Invitae Variant Classification Sherloc (09022015). Collection method: clinical testing. Allele origin: germline.
Comment: This sequence change creates a premature translational stop signal (p.Arg909*) in the ABCA1 gene. It is expected to result in an absent or disrupted protein product. Loss-of-function variants in ABCA1 are known to be pathogenic (PMID: 10525055, 10760292, 20880529). This variant is present in population databases (no rsID available, gnomAD 0.006%). This premature translational stop signal has been observed in individual(s) with clinical features of Tangier disease (PMID: 10533863, 12615648). For these reasons, this variant has been classified as Pathogenic.

Literature cited by the submitters: PubMed 10525055; PubMed 10760292; PubMed 20880529; PubMed 10533863; PubMed 12615648.